The following is an entry in ClinVar:

ClinVar aggregate classification (germline): Pathogenic/Likely pathogenic. Review status: criteria provided, multiple submitters, no conflicts (2 of 4 stars). 7 submissions from 7 submitters: Pathogenic (5); Likely pathogenic (1). 1 of the submissions does not count toward it. Last evaluated 2025-05-01.

Conditions:
Maple syrup urine disease type 1A (MSUD1A). Also called: MSUD type 1A. Identifiers: MedGen C1855369, MONDO:0023691, OMIM 248600.
Maple syrup urine disease (MSUD). Identifiers: Orphanet 511, MedGen C0024776, MeSH D008375, MONDO:0009563. Disease mechanism: loss of function.
Maple syrup urine disease type 1B (MSUD1B). Also called: MSUD type IB; MSUD type 3 (formerly); MSUD due to deficiency of e1-beta subunit of branched-chain alpha-keto acid dehydrogenase complex. Identifiers: MedGen C2930990, MONDO:0023692, OMIM 620698.

Allele frequency attached by ClinVar (database versions not stated): TOPMed below 0.00001; gnomAD exomes below 0.00001; gnomAD 0.00001.
gnomAD v4.1: 3 of 1,608,420 alleles (0.00019%); highest among the groups gnomAD compares: Admixed American, 0.0017%; no homozygotes.

Submissions (7):

Natera, Inc.
Classification: Likely pathogenic for Maple syrup urine disease type 1B. Last evaluated: 2025-05-01. Review status: criteria provided, single submitter. Criteria: Natera Variant Classification Schema (03/2026). Collection method: clinical testing. Allele origin: germline.
Comment: The c.752T>C variant in BCKDHB is a missense variant predicted to cause substitution of valine to alanine at amino acid 251. This variant is rare in the general population with a frequency below the threshold expected for the associated phenotype(s). This variant has been observed in one or more individuals affected with the associated recessive disease, as either homozygous or compound heterozygous with a second variant (PMID: 19480318, 19282776). Functional studies show that this variant may disrupt protein function (PMID: 19480318). Computational prediction algorithms indicate this variant is likely to affect gene or protein function. Given the available evidence, this variant is classified as Likely Pathogenic.

Labcorp Genetics (formerly Invitae), Labcorp
Classification: Pathogenic for Maple syrup urine disease. Last evaluated: 2023-12-12. Review status: criteria provided, single submitter. Criteria: Invitae Variant Classification Sherloc (09022015). Collection method: clinical testing. Allele origin: germline.
Comment: This sequence change replaces valine, which is neutral and non-polar, with alanine, which is neutral and non-polar, at codon 251 of the BCKDHB protein (p.Val251Ala). This variant is not present in population databases (gnomAD no frequency). This missense change has been observed in individual(s) with maple syrup urine disease (PMID: 11112664, 14517957, 15884622, 16786533, 19282776). ClinVar contains an entry for this variant (Variation ID: 96608). Advanced modeling of protein sequence and biophysical properties (such as structural, functional, and spatial information, amino acid conservation, physicochemical variation, residue mobility, and thermodynamic stability) has been performed at Invitae for this missense variant, however the output from this modeling did not meet the statistical confidence thresholds required to predict the impact of this variant on BCKDHB protein function. For these reasons, this variant has been classified as Pathogenic.

Women's Health and Genetics/Laboratory Corporation of America, LabCorp
Classification: Pathogenic for Maple syrup urine disease type 1B. Last evaluated: 2023-07-25. Review status: criteria provided, single submitter. Criteria: LabCorp Variant Classification Summary - May 2015. Collection method: clinical testing. Allele origin: germline.
Comment: Variant summary: BCKDHB c.752T>C (p.Val251Ala) results in a non-conservative amino acid change in the encoded protein sequence. Five of five in-silico tools predict a damaging effect of the variant on protein function. The variant was absent in 250890 control chromosomes (gnomAD). c.752T>C has been reported in the literature in multiple individuals affected with Maple Syrup Urine Disease (examples: Nellis_2001, Henneke_2003, Rodriguez-Pombo_2006, Tayeh_2009). These data indicate that the variant is very likely to be associated with disease. At least one publication reports experimental evidence evaluating an impact on protein function. The most pronounced variant effect results in <10% of normal activity (examples: Henneke_2003, Rodriguez-Pombo_2006). The following publications have been ascertained in the context of this evaluation (PMID: 14517957, 16786533, 19282776, 11112664). Four submitters have cited clinical-significance assessments for this variant to ClinVar after 2014. All submitters classified the variant as pathogenic/likely pathogenic. Based on the evidence outlined above, the variant was classified as pathogenic.

Baylor Genetics
Classification: Pathogenic for Maple syrup urine disease type 1A. Last evaluated: 2023-05-24. Review status: criteria provided, single submitter. Criteria: ACMG Guidelines, 2015. Collection method: clinical testing. Allele origin: unknown.

Genome-Nilou Lab
Classification: Pathogenic for Maple syrup urine disease type 1A. Last evaluated: 2021-11-07. Review status: criteria provided, single submitter. Criteria: ACMG Guidelines, 2015. Collection method: clinical testing. Allele origin: germline. Affected: no.

Eurofins Ntd Llc (ga)
Classification: Pathogenic. Last evaluated: 2013-09-03. Review status: criteria provided, single submitter. Criteria: EGL Classification Definitions. Collection method: clinical testing. Allele origin: germline. Observed: 2 variant alleles, 2 heterozygotes.

Counsyl
Classification: Likely pathogenic for Maple syrup urine disease type 1A. Last evaluated: 2018-04-20. Review status: no assertion criteria provided. Collection method: clinical testing. Allele origin: unknown. Not counted in ClinVar's aggregate classification.

Literature cited by the submitters: PubMed 19480318 (cited by Natera, Inc.); PubMed 19282776 (cited by 4 submitters); PubMed 11112664 (cited by 3 submitters); PubMed 14517957 (cited by Labcorp Genetics (formerly Invitae), Labcorp and Women's Health and Genetics/Laboratory Corporation of America, LabCorp); PubMed 15884622 (cited by Labcorp Genetics (formerly Invitae), Labcorp and Counsyl); PubMed 16786533 (cited by 3 submitters).

NM_183050.4(BCKDHB):c.752T>C (p.Val251Ala)

Gene: BCKDHB (branched chain keto acid dehydrogenase E1 subunit beta; plus strand). Cytogenetic location: 6q14.1.
Variant type: single nucleotide variant.
Coding change: c.752T>C on transcript NM_183050.4 (MANE Select); coding-DNA position 752, T replaced by C.
Protein change: p.Val251Ala; replaces valine 251 with alanine.
Molecular consequence: missense variant. On other transcripts: non-coding transcript variant (1).
Genome position (GRCh38, 1-based): chr6:80,200,943, T>C. VCF-style: chr6-80200943-T-C. GRCh37 (hg19) VCF-style: chr6-80910660-T-C.
Other names: c.752T>C (NM_183050.3); c.752T>C, p.Val251Ala (NM_000056.5); c.542T>C, p.Val181Ala (NM_001318975.1); short protein forms V251A, V181A.
Identifiers: ClinVar variation 96608 (VCV000096608.29), dbSNP rs398124593, ClinGen allele CA224341.